The following is an entry in ClinVar:

NM_004549.6(NDUFC2):c.93C>T (p.Leu31=)

Genes: NDUFC2 (NADH:ubiquinone oxidoreductase subunit C2; minus strand), NDUFC2-KCTD14 (NDUFC2-KCTD14 readthrough; minus strand). Cytogenetic location: 11q14.1.
Variant type: single nucleotide variant.
Coding change: c.93C>T on transcript NM_004549.6 (MANE Select); coding-DNA position 93, C replaced by T.
Protein change: p.Leu31=; no amino-acid change (leucine 31 retained).
Molecular consequence: synonymous variant.
Genome position (GRCh38, 1-based): chr11:78,079,652, G>A on the plus strand (C>T on the coding strand, the complement: NDUFC2 is on the minus strand). VCF-style: chr11-78079652-G-A. GRCh37 (hg19) VCF-style: chr11-77790698-G-A.
Other names: c.93C>T, p.Leu31= (NM_001203260.2, NM_001203261.2, NM_001203262.2 and 2 more transcripts).
Identifiers: ClinVar variation 3898246 (VCV003898246.7).

ClinVar aggregate classification (germline): Likely benign (1 of 4 stars; one submission).

gnomAD v4.1: 41 of 1,600,608 alleles (0.0026%); highest among the groups gnomAD compares: Middle Eastern, 0.051%; no homozygotes.

Submission:

CeGaT Center for Human Genetics Tuebingen
Classification: Likely benign. Last evaluated: 2025-04-01. Review status: criteria provided, single submitter. Criteria: CeGaT Center For Human Genetics Tuebingen Variant Classification Criteria Version 2. Collection method: clinical testing. Allele origin: germline. Affected: yes. Observed: 1 variant allele.
Comment: NDUFC2: BP4, BP7; NDUFC2-KCTD14: BP4, BP7